The following is an entry in ClinVar:

ClinVar aggregate classification (germline): Uncertain significance (1 of 4 stars; one submission).

Conditions:
Combined immunodeficiency due to DOCK8 deficiency (HIES2). Also called: Hyper-IgE recurrent infection syndrome, autosomal recessive; HYPER-IgE SYNDROME 2, AUTOSOMAL RECESSIVE, WITH RECURRENT INFECTIONS; HIES autosomal recessive; DOCK8 Deficiency; HYPER-IgE RECURRENT INFECTION SYNDROME 2, AUTOSOMAL RECESSIVE. Identifiers: Orphanet 217390, MedGen C4722305, MONDO:0009478, OMIM 243700.

Allele frequency attached by ClinVar (database versions not stated): ExAC 0.00001.

Submission:

Labcorp Genetics (formerly Invitae), Labcorp
Classification: Uncertain significance for Combined immunodeficiency due to DOCK8 deficiency. Last evaluated: 2018-09-19. Review status: criteria provided, single submitter. Criteria: Invitae Variant Classification Sherloc (09022015). Collection method: clinical testing. Allele origin: germline.
Comment: In summary, the available evidence is currently insufficient to determine the role of this variant in disease. Therefore, it has been classified as a Variant of Uncertain Significance. Algorithms developed to predict the effect of missense changes on protein structure and function (SIFT, PolyPhen-2, Align-GVGD) all suggest that this variant is likely to be tolerated, but these predictions have not been confirmed by published functional studies and their clinical significance is uncertain. This variant has not been reported in the literature in individuals with DOCK8-related disease. This variant is present in population databases (rs748241197, ExAC 0.001%). This sequence change replaces aspartic acid with glutamic acid at codon 1002 of the DOCK8 protein (p.Asp1002Glu). The aspartic acid residue is moderately conserved and there is a small physicochemical difference between aspartic acid and glutamic acid.

NM_203447.4(DOCK8):c.3006C>G (p.Asp1002Glu)

Gene: DOCK8 (dedicator of cytokinesis 8; plus strand). Cytogenetic location: 9p24.3.
Variant type: single nucleotide variant.
Coding change: c.3006C>G on transcript NM_203447.4 (MANE Select); coding-DNA position 3006, C replaced by G.
Protein change: p.Asp1002Glu; replaces aspartic acid 1002 with glutamic acid.
Molecular consequence: missense variant.
Genome position (GRCh38, 1-based): chr9:396,820, C>G. VCF-style: chr9-396820-C-G. GRCh37 (hg19) VCF-style: chr9-396820-C-G.
Other names: c.2706C>G, p.Asp902Glu (NM_001190458.2); c.2802C>G, p.Asp934Glu (NM_001193536.2); short protein forms D1002E, D902E, D934E.
Identifiers: ClinVar variation 645298 (VCV000645298.9), dbSNP rs748241197, ClinGen allele CA4958467.
Genomic context (GRCh38, chr9:396,820, plus strand): 5'-ACATTTCCTCCATCCCCCTCCGCAGGTGAAAAGCATGGCCCAGCACGTACATAACATGGA[C>G]AAACGGGACAGTTTTCGGAGGACTCGTTTTTCTGACCGTTTCATGGATGACATAACTACT-3'
Protein context (NP_982272.2, residues 992-1012): KSMAQHVHNM[Asp1002Glu]KRDSFRRTRF